The following is an entry in ClinVar:

ClinVar aggregate classification (germline): Uncertain significance (1 of 4 stars; one submission).

Conditions:
Hereditary sensory neuropathy-deafness-dementia syndrome. Also called: NEUROPATHY, HEREDITARY SENSORY, WITH HEARING LOSS AND DEMENTIA; Hereditary Sensory and Autonomic Neuropathy Type 1E (HSAN1E); Hereditary sensory neuropathy type IE; HSN IE. Identifiers: Orphanet 456318, MedGen C3279885, MONDO:0013584, OMIM 614116.

Allele frequency attached by ClinVar (database versions not stated): gnomAD 0.00002.

Submission:

Labcorp Genetics (formerly Invitae), Labcorp
Classification: Uncertain significance for Hereditary sensory neuropathy-deafness-dementia syndrome. Last evaluated: 2021-12-02. Review status: criteria provided, single submitter. Criteria: Invitae Variant Classification Sherloc (09022015). Collection method: clinical testing. Allele origin: germline.
Comment: This variant has not been reported in the literature in individuals affected with DNMT1-related conditions. Algorithms developed to predict the effect of missense changes on protein structure and function output the following: SIFT: "Tolerated"; PolyPhen-2: "Benign"; Align-GVGD: "Class C0". The alanine amino acid residue is found in multiple mammalian species, which suggests that this missense change does not adversely affect protein function. In summary, the available evidence is currently insufficient to determine the role of this variant in disease. Therefore, it has been classified as a Variant of Uncertain Significance. This variant is not present in population databases (gnomAD no frequency). This sequence change replaces valine, which is neutral and non-polar, with alanine, which is neutral and non-polar, at codon 15 of the DNMT1 protein (p.Val15Ala).

NM_001130823.3(DNMT1):c.44T>C (p.Val15Ala)

Genes: DNMT1 (DNA methyltransferase 1; minus strand), LOC130063472 (ATAC-STARR-seq lymphoblastoid silent region 10057; plus strand). Cytogenetic location: 19p13.2.
Variant type: single nucleotide variant.
Coding change: c.44T>C on transcript NM_001130823.3 (MANE Select); coding-DNA position 44, T replaced by C.
Protein change: p.Val15Ala; replaces valine 15 with alanine.
Molecular consequence: missense variant. On other transcripts: 5 prime UTR variant (1).
Genome position (GRCh38, 1-based): chr19:10,194,856, A>G on the plus strand (T>C on the coding strand, the complement: DNMT1 is on the minus strand). VCF-style: chr19-10194856-A-G. GRCh37 (hg19) VCF-style: chr19-10305532-A-G.
Other names: c.44T>C, p.Val15Ala (NM_001318730.2, NM_001379.4); c.-280T>C (NM_001318731.2); short protein forms V15A.
Identifiers: ClinVar variation 1353167 (VCV001353167.6), dbSNP rs1395421881, ClinGen allele CA403950210.
Genomic context (GRCh38, chr19:10,194,856, plus strand): 5'-CGTGTTCCCCCCCATGGTACCTACCGCCTGCGGACATCGTCGGGCAGCGAGATGGCCGGG[A>G]CGGCCAGTGTGGGCACCCGGGCTGGGGCGGTACGCGCCGGCATCTCGGAGGCTTCAGCAG-3'
Protein context (NP_001124295.1, residues 5-25): TAPARVPTLA[Val15Ala]PAISLPDDVR